The following is an entry in ClinVar:

ClinVar aggregate classification (germline): Likely benign. Review status: criteria provided, single submitter (1 of 4 stars). 2 submissions from 2 submitters: Likely benign (1). 1 of the submissions does not count toward it. Last evaluated 2025-12-16.

Conditions:
FSCN2-related disorder. Also called: FSCN2-related condition.

Allele frequency attached by ClinVar (database versions not stated): ExAC below 0.00001; gnomAD 0.00005 and 0.00006; TOPMed 0.00006; gnomAD exomes 0.00007; 1000 Genomes Project 0.00020; 1000 Genomes Project 30x 0.00031.
gnomAD v4.1: 21 of 1,507,366 alleles (0.0014%); highest among the groups gnomAD compares: Admixed American, 0.026%; no homozygotes.

Submissions (2):

Labcorp Genetics (formerly Invitae), Labcorp
Classification: Likely benign. Last evaluated: 2025-12-16. Review status: criteria provided, single submitter. Criteria: Invitae Variant Classification Sherloc (09022015). Collection method: clinical testing. Allele origin: germline.

PreventionGenetics, part of Exact Sciences
Classification: Likely benign for FSCN2-related condition. Last evaluated: 2020-03-17. Review status: no assertion criteria provided. Collection method: clinical testing. Allele origin: germline. Not counted in ClinVar's aggregate classification.
Comment: This variant is classified as likely benign based on ACMG/AMP sequence variant interpretation guidelines (Richards et al. 2015 PMID: 25741868, with internal and published modifications).

NM_012418.4(FSCN2):c.1410C>T (p.Arg470=)

Gene: FSCN2 (fascin actin-bundling protein 2, retinal; plus strand). Cytogenetic location: 17q25.3.
Variant type: single nucleotide variant.
Coding change: c.1410C>T on transcript NM_012418.4 (MANE Select); coding-DNA position 1410, C replaced by T.
Protein change: p.Arg470=; no amino-acid change (arginine 470 retained).
Molecular consequence: synonymous variant.
Genome position (GRCh38, 1-based): chr17:81,537,011, C>T. VCF-style: chr17-81537011-C-T. GRCh37 (hg19) VCF-style: chr17-79504037-C-T.
Other names: c.1482C>T, p.Arg494= (NM_001077182.3).
Identifiers: ClinVar variation 785905 (VCV000785905.12), dbSNP rs554434984, ClinGen allele CA8837138.